The following is an entry in ClinVar:

NM_000535.7(PMS2):c.706-3C>A

Gene: PMS2 (PMS1 homolog 2, mismatch repair system component; minus strand). Cytogenetic location: 7p22.1.
Variant type: single nucleotide variant.
Coding change: c.706-3C>A on transcript NM_000535.7 (MANE Select); 3 bases into the intron before coding-DNA position 706, C replaced by A.
Molecular consequence: intron variant.
Genome position (GRCh38, 1-based): chr7:5,997,426, G>T on the plus strand (C>A on the coding strand, the complement: PMS2 is on the minus strand). VCF-style: chr7-5997426-G-T. GRCh37 (hg19) VCF-style: chr7-6037057-G-T.
Other names: c.-228-3C>A (NM_001322011.2, NM_001322012.2); c.706-3C>A (NM_001322006.2, NM_001322014.2); c.301-3C>A (NM_001322009.2, NM_001322005.2, NM_001322010.2 and 2 more transcripts); c.388-3C>A (NM_001322008.2, NM_001322007.2); c.133-3C>A (NM_001322013.2); c.397-3C>A (NM_001322015.2).
Identifiers: ClinVar variation 455735 (VCV000455735.15), dbSNP rs1229860023, ClinGen allele CA658657647.

ClinVar aggregate classification (germline): Uncertain significance. Review status: criteria provided, multiple submitters, no conflicts (2 of 4 stars). 5 submissions from 5 submitters: Uncertain significance (5). Last evaluated 2025-03-17.

Conditions:
Hereditary cancer-predisposing syndrome. Also called: Tumor predisposition; Hereditary Cancer Syndrome; Neoplastic Syndromes, Hereditary; Hereditary neoplastic syndrome. Identifiers: Orphanet 140162, MedGen C0027672, MeSH D009386, MONDO:0015356.
Hereditary nonpolyposis colorectal neoplasms. Identifiers: MedGen C0009405, MeSH D003123.

Submissions (5):

Ambry Genetics
Classification: Uncertain significance for Hereditary cancer-predisposing syndrome. Last evaluated: 2025-03-17. Review status: criteria provided, single submitter. Criteria: Ambry Variant Classification Scheme 2023. Collection method: clinical testing. Allele origin: germline.
Comment: The c.706-3C>A intronic variant results from a C to A substitution 3 nucleotides upstream from coding exon 7 in the PMS2 gene. This nucleotide position is not well conserved in available vertebrate species. In silico splice site analysis predicts that this alteration may weaken the native splice acceptor site; however, direct evidence is insufficient at this time (Ambry internal data). Since supporting evidence is limited at this time, the clinical significance of this alteration remains unclear.

GeneDx
Classification: Uncertain significance. Last evaluated: 2023-01-25. Review status: criteria provided, single submitter. Criteria: GeneDx Variant Classification Process June 2021. Collection method: clinical testing. Allele origin: germline. Affected: yes.
Comment: Not observed at significant frequency in large population cohorts (gnomAD); Has not been previously published as pathogenic or benign to our knowledge; In silico analysis is inconclusive as to whether the variant alters gene splicing. In the absence of RNA/functional studies, the actual effect of this sequence change is unknown.

Labcorp Genetics (formerly Invitae), Labcorp
Classification: Uncertain significance for Hereditary nonpolyposis colorectal neoplasms. Last evaluated: 2020-03-26. Review status: criteria provided, single submitter. Criteria: Invitae Variant Classification Sherloc (09022015). Collection method: clinical testing. Allele origin: germline.
Comment: In summary, the available evidence is currently insufficient to determine the role of this variant in disease. Therefore, it has been classified as a Variant of Uncertain Significance. Nucleotide substitutions within the consensus splice site are a relatively common cause of aberrant splicing (PMID: 17576681, 9536098). Algorithms developed to predict the effect of sequence changes on RNA splicing suggest that this variant may disrupt the consensus splice site, but this prediction has not been confirmed by published transcriptional studies. This variant has not been reported in the literature in individuals with PMS2-related conditions. ClinVar contains an entry for this variant (Variation ID: 455735). This variant is not present in population databases (ExAC no frequency). This sequence change falls in intron 6 of the PMS2 gene. It does not directly change the encoded amino acid sequence of the PMS2 protein, but it affects a nucleotide within the consensus splice site of the intron.

Quest Diagnostics Nichols Institute San Juan Capistrano
Classification: Uncertain significance. Last evaluated: 2019-06-16. Review status: criteria provided, single submitter. Criteria: Quest Diagnostics criteria. Collection method: clinical testing. Allele origin: germline.

Blueprint Genetics
Classification: Uncertain significance. Last evaluated: 2017-10-27. Review status: criteria provided, single submitter. Criteria: ACMG Guidelines, 2015. Collection method: clinical testing. Allele origin: germline.

Literature cited by the submitters: PubMed 17576681 (cited by Labcorp Genetics (formerly Invitae), Labcorp); PubMed 9536098 (cited by Labcorp Genetics (formerly Invitae), Labcorp).